The following is an entry in ClinVar:

NM_000843.4(GRM6):c.2174T>C (p.Ile725Thr)

Genes: GRM6 (glutamate metabotropic receptor 6; minus strand), ZNF454 (zinc finger protein 454; plus strand). Cytogenetic location: 5q35.3.
Variant type: single nucleotide variant.
Coding change: c.2174T>C on transcript NM_000843.4 (MANE Select); coding-DNA position 2174, T replaced by C.
Protein change: p.Ile725Thr; replaces isoleucine 725 with threonine.
Molecular consequence: missense variant.
Genome position (GRCh38, 1-based): chr5:178,983,172, A>G on the plus strand (T>C on the coding strand, the complement: GRM6 is on the minus strand). VCF-style: chr5-178983172-A-G. GRCh37 (hg19) VCF-style: chr5-178410173-A-G.
Other names: short protein forms I725T.
Identifiers: ClinVar variation 1974229 (VCV001974229.6), dbSNP rs1203370603, ClinGen allele CA362424770.
Genomic context (GRCh38, chr5:178,983,172, plus strand): 5'-TCGCACTTGAGCACCCCTCTGGCCTGCTCGGGGTCCACCGTCCGCTGTTCCTCATAGTCA[A>G]TCACGCTGTGTGGGGGCCGGGCCCCCAGCCATGCTATCATCCCCACCACCTGCAGGAGCC-3'
Protein context (NP_000834.2, residues 715-735): WLGARPPHSV[Ile725Thr]DYEEQRTVDP

ClinVar aggregate classification (germline): Uncertain significance. Review status: criteria provided, multiple submitters, no conflicts (2 of 4 stars). 2 submissions from 2 submitters: Uncertain significance (2). Last evaluated 2022-06-14.

Allele frequency attached by ClinVar (database versions not stated): gnomAD exomes 0.00001.
gnomAD v4.1: 4 of 1,613,784 alleles (0.00025%); highest among the groups gnomAD compares: Admixed American, 0.0017%; no homozygotes.

Submissions (2):

Labcorp Genetics (formerly Invitae), Labcorp
Classification: Uncertain significance. Last evaluated: 2022-06-14. Review status: criteria provided, single submitter. Criteria: Invitae Variant Classification Sherloc (09022015). Collection method: clinical testing. Allele origin: germline.
Comment: In summary, the available evidence is currently insufficient to determine the role of this variant in disease. Therefore, it has been classified as a Variant of Uncertain Significance. Advanced modeling of protein sequence and biophysical properties (such as structural, functional, and spatial information, amino acid conservation, physicochemical variation, residue mobility, and thermodynamic stability) performed at Invitae indicates that this missense variant is not expected to disrupt GRM6 protein function. This variant has not been reported in the literature in individuals affected with GRM6-related conditions. This variant is present in population databases (no rsID available, gnomAD 0.003%). This sequence change replaces isoleucine, which is neutral and non-polar, with threonine, which is neutral and polar, at codon 725 of the GRM6 protein (p.Ile725Thr).

Blueprint Genetics
Classification: Uncertain significance. Last evaluated: 2021-01-15. Review status: criteria provided, single submitter. Criteria: ACMG Guidelines, 2015. Collection method: clinical testing. Allele origin: germline.